The following is an entry in ClinVar:

NM_004260.4(RECQL4):c.1258G>C (p.Ala420Pro)

Gene: RECQL4 (RecQ like helicase 4; minus strand). Cytogenetic location: 8q24.3.
Variant type: single nucleotide variant.
Coding change: c.1258G>C on transcript NM_004260.4 (MANE Select); coding-DNA position 1258, G replaced by C.
Protein change: p.Ala420Pro; replaces alanine 420 with proline.
Molecular consequence: missense variant.
Genome position (GRCh38, 1-based): chr8:144,515,764, C>G on the plus strand (G>C on the coding strand, the complement: RECQL4 is on the minus strand). VCF-style: chr8-144515764-C-G. GRCh37 (hg19) VCF-style: chr8-145741148-C-G.
Other names: short protein forms A420P.
Identifiers: ClinVar variation 1350246 (VCV001350246.8), dbSNP rs2130711913, ClinGen allele CA372687187.
Genomic context (GRCh38, chr8:144,515,764, plus strand): 5'-AGAGCACTGCGCCCTCTCCACAGTGTTGGCCGGACCCACCCTCCAGGGCAGATGTCTCAC[C>G]TGGCCGGGGACACTGGGCTGCCCAGTGATCGAACTGCTCGTTCAGGAAACAAGACTCCTT-3'
Protein context (NP_004251.4, residues 410-430): DHWAAQCPRP[Ala420Pro]SEEDTDAVGP

ClinVar aggregate classification (germline): Uncertain significance. Review status: criteria provided, multiple submitters, no conflicts (2 of 4 stars). 2 submissions from 2 submitters: Uncertain significance (2). Last evaluated 2021-05-07.

Conditions:
Rothmund-Thomson syndrome type 2 (RTS2). Identifiers: Orphanet 221016, MedGen C5203410, MONDO:0016369, OMIM 268400.
Baller-Gerold syndrome (BGS). Also called: CRANIOSYNOSTOSIS WITH RADIAL DEFECTS. Identifiers: Orphanet 1225, MedGen C0265308, MONDO:0009039, OMIM 218600.

Submissions (2):

Labcorp Genetics (formerly Invitae), Labcorp
Classification: Uncertain significance for Baller-Gerold syndrome. Last evaluated: 2021-05-07. Review status: criteria provided, single submitter. Criteria: Invitae Variant Classification Sherloc (09022015). Collection method: clinical testing. Allele origin: germline.
Comment: This variant has not been reported in the literature in individuals with RECQL4-related conditions. Nucleotide substitutions within the consensus splice site are a relatively common cause of aberrant splicing (PMID: 17576681, 9536098). Algorithms developed to predict the effect of sequence changes on RNA splicing suggest that this variant may disrupt the consensus splice site, but this prediction has not been confirmed by published transcriptional studies. In summary, the available evidence is currently insufficient to determine the role of this variant in disease. Therefore, it has been classified as a Variant of Uncertain Significance. This variant is not present in population databases (ExAC no frequency). This sequence change replaces alanine with proline at codon 420 of the RECQL4 protein (p.Ala420Pro). The alanine residue is weakly conserved and there is a small physicochemical difference between alanine and proline. This variant also falls at the last nucleotide of exon 6, which is part of the consensus splice site for this exon.

Juno Genomics, Hangzhou Juno Genomics, Inc
Classification: Uncertain significance for Rothmund-Thomson syndrome type 2. Review status: criteria provided, single submitter. Criteria: ACMG Guidelines, 2015. Collection method: clinical testing. Allele origin: germline. Affected: yes.
Comment: Absent from controls (or at extremely low frequency if recessive) in Genome Aggregation Database, Exome Sequencing Project, 1000 Genomes Project, or Exome Aggregation Consortium.;For recessive disorders, detected in trans with a pathogenic variant.

Literature cited by the submitters: PubMed 17576681 (cited by Labcorp Genetics (formerly Invitae), Labcorp); PubMed 9536098 (cited by Labcorp Genetics (formerly Invitae), Labcorp).